The following is an entry in ClinVar:

ClinVar aggregate classification (germline): Pathogenic (1 of 4 stars; one submission).

Conditions:
Duchenne muscular dystrophy (DMD). Also called: MUSCULAR DYSTROPHY, PSEUDOHYPERTROPHIC PROGRESSIVE, DUCHENNE TYPE; Duchenne Muscular Dystrophy (DMD). Identifiers: Orphanet 98896, MedGen C0013264, MONDO:0010679, OMIM 310200.

Submission:

Labcorp Genetics (formerly Invitae), Labcorp
Classification: Pathogenic for Duchenne muscular dystrophy. Last evaluated: 2023-10-11. Review status: criteria provided, single submitter. Criteria: Invitae Variant Classification Sherloc (09022015). Collection method: clinical testing. Allele origin: germline.
Comment: This sequence change creates a premature translational stop signal (p.Arg1837Serfs*10) in the DMD gene. It is expected to result in an absent or disrupted protein product. Loss-of-function variants in DMD are known to be pathogenic (PMID: 16770791, 25007885). This variant is not present in population databases (gnomAD no frequency). This variant has not been reported in the literature in individuals affected with DMD-related conditions. ClinVar contains an entry for this variant (Variation ID: 1392409). For these reasons, this variant has been classified as Pathogenic.

Literature cited by the submitters: PubMed 16770791; PubMed 25007885.

NM_004006.3(DMD):c.5509_5512del (p.Arg1837fs)

Gene: DMD (dystrophin; minus strand). Cytogenetic location: Xp21.1.
Variant type: Deletion.
Coding change: c.5509_5512del on transcript NM_004006.3 (MANE Select); coding-DNA positions 5509 to 5512, 4 bases deleted (AGAA; older notation c.5509_5512delAGAA).
Protein change: p.Arg1837fs; shifts the reading frame from arginine 1837.
Molecular consequence: frameshift variant.
Genome position (GRCh38, 1-based): chrX:32,346,017-32,346,020, TTCT deleted on the plus strand (AGAA on the coding strand, the reverse complement: DMD is on the minus strand); deleting any 4 consecutive bases within chrX:32,346,017-32,346,022 gives the same sequence; the c. name uses the placement nearest the transcript's 3' end. VCF-style (leftmost placement, unchanged base first): chrX-32346016-ATTCT-A. GRCh37 (hg19) VCF-style: chrX-32364133-ATTCT-A.
Other names: c.5485_5488del, p.Arg1829fs (NM_000109.4); c.5497_5500del, p.Arg1833fs (NM_004009.3); c.5140_5143del, p.Arg1714fs (NM_004010.3); c.1486_1489del, p.Arg496fs (NM_004011.4); c.1477_1480del, p.Arg493fs (NM_004012.4); short protein forms R1714fs, R1829fs, R493fs, R496fs, R1833fs, R1837fs.
Identifiers: ClinVar variation 1392409 (VCV001392409.6), dbSNP rs2147032028, ClinGen allele CA2573158794.